The following is an entry in ClinVar:

ClinVar aggregate classification (germline): Likely pathogenic (1 of 4 stars; one submission).

Conditions:
DNHD1-related disorder. Also called: DNHD1-related condition.

Submission:

PreventionGenetics, part of Exact Sciences
Classification: Likely pathogenic for DNHD1-related condition. Last evaluated: 2025-08-12. Review status: criteria provided, single submitter. Criteria: ACMG Guidelines, 2015. Collection method: clinical testing. Allele origin: germline.
Comment: The DNHD1 c.2899C>T variant is predicted to result in premature protein termination (p.Gln967*). To our knowledge, this variant has not been reported in the literature or in a large population database (gnomAD), indicating this variant is rare. Nonsense variants in DNHD1 are expected to be pathogenic. This variant is interpreted as likely pathogenic.

NM_144666.3(DNHD1):c.2899C>T (p.Gln967Ter)

Gene: DNHD1 (dynein heavy chain domain 1; plus strand). Cytogenetic location: 11p15.4.
Variant type: single nucleotide variant.
Coding change: c.2899C>T on transcript NM_144666.3 (MANE Select); coding-DNA position 2899, C replaced by T.
Protein change: p.Gln967Ter; replaces glutamine 967 with a stop codon.
Molecular consequence: nonsense.
Genome position (GRCh38, 1-based): chr11:6,534,074, C>T. VCF-style: chr11-6534074-C-T. GRCh37 (hg19) VCF-style: chr11-6555304-C-T.
Other names: short protein forms Q967*.
Identifiers: ClinVar variation 4998997 (VCV004998997.1).